The following is an entry in ClinVar:

ClinVar aggregate classification (germline): Benign. Review status: reviewed by expert panel (3 of 4 stars). 11 submissions from 11 submitters: Benign (1). 10 of the submissions do not count toward it. Last evaluated 2024-06-25.

Conditions:
Chuvash polycythemia. Also called: POLYCYTHEMIA, VHL-DEPENDENT. Identifiers: Orphanet 238557, MedGen C1837915, MONDO:0009892, OMIM 263400.
Von Hippel-Lindau syndrome (VHLS). Also called: Von Hippel-Lindau; von Hippel–Lindau syndrome; VHL syndrome. Identifiers: Orphanet 892, MedGen C0019562, MONDO:0008667, OMIM 193300. Disease mechanism: loss of function.
Hereditary cancer-predisposing syndrome. Also called: Tumor predisposition; Hereditary neoplastic syndrome; Neoplastic Syndromes, Hereditary; Hereditary Cancer Syndrome. Identifiers: Orphanet 140162, MedGen C0027672, MeSH D009386, MONDO:0015356.
Ovarian cancer. Also called: OVARIAN CANCER, SOMATIC. Identifiers: Orphanet 213500, MedGen C1140680, MONDO:0008170, OMIM 167000.

Allele frequency attached by ClinVar (database versions not stated): gnomAD 0.00004 and 0.00007; TOPMed 0.00006; gnomAD exomes 0.00026; ExAC 0.00064; 1000 Genomes Project 0.00100.

Submissions (11):

ClinGen VHL Variant Curation Expert Panel, ClinGen
Classification: Benign for Von Hippel-Lindau syndrome. Last evaluated: 2024-06-25. Review status: reviewed by expert panel. Criteria: ClinGen VHL VCEP ACMG Specifications VHL V1. Collection method: curation. Allele origin: germline. Inheritance: Autosomal dominant inheritance.
Comment: The variant NM_000551.4(VHL):c.119C>T (p.Pro40Leu) is a missense variant predicted to cause substitution of Proline by Leucine. The GroupMax Filtering Allele Frequency (95% CI) in gnomAD v4.1.0 is 0.0006831 (71/ 84504 from South Asian Population). This is higher than the ClinGen VHL VCEP threshold of >=0.000156 (0.0156%) threshold expected for VHL disease (BA1). In summary, this variant meets the criteria to be classified as Benign for autosomal-dominant von Hippel Lindau syndrome (VHL syndrome) based on the ACMG/AMP criteria applied, as specified by the ClinGen VHL VCEP Version 1.0 (Specifications approval date: 02/26/2024. Variant Approval Date 06/25/2024).

Labcorp Genetics (formerly Invitae), Labcorp
Classification: Likely benign for Von Hippel-Lindau syndrome; Chuvash polycythemia. Last evaluated: 2026-01-31. Review status: criteria provided, single submitter. Criteria: Invitae Variant Classification Sherloc (09022015). Collection method: clinical testing. Allele origin: germline. Not counted in ClinVar's aggregate classification.

Center for Genomic Medicine, Rigshospitalet, Copenhagen University Hospital
Classification: Benign. Last evaluated: 2025-03-04. Review status: criteria provided, single submitter. Criteria: ACMG Guidelines, 2015. Collection method: clinical testing. Allele origin: germline. Not counted in ClinVar's aggregate classification.
Comment: Classification criteria: BA1

Myriad Genetics, Inc.
Classification: Likely benign for Von Hippel-Lindau syndrome. Last evaluated: 2024-08-09. Review status: criteria provided, single submitter. Criteria: Myriad Autosomal Dominant, Autosomal Recessive and X-Linked Classification Criteria (2023). Collection method: clinical testing. Allele origin: unknown. Not counted in ClinVar's aggregate classification.
Comment: This variant is considered likely benign. This variant has been observed at a population frequency that is significantly greater than expected given the associated disease prevalence and penetrance.

Revvity Omics, Revvity
Classification: Uncertain significance. Last evaluated: 2023-03-28. Review status: criteria provided, single submitter. Criteria: ACMG Guidelines, 2015. Collection method: clinical testing. Allele origin: germline. Not counted in ClinVar's aggregate classification.

Ambry Genetics
Classification: Likely benign for Hereditary cancer-predisposing syndrome. Last evaluated: 2022-05-02. Review status: criteria provided, single submitter. Criteria: Ambry Variant Classification Scheme 2023. Collection method: clinical testing. Allele origin: germline. Not counted in ClinVar's aggregate classification.

Color Diagnostics, LLC DBA Color Health
Classification: Likely benign for Von Hippel-Lindau syndrome. Last evaluated: 2022-03-31. Review status: criteria provided, single submitter. Criteria: ACMG Guidelines, 2015. Collection method: clinical testing. Allele origin: germline. Not counted in ClinVar's aggregate classification.

Laboratory of Molecular Epidemiology of Birth Defects, West China Second University Hospital, Sichuan University
Classification: Benign for Ovarian cancer. Last evaluated: 2022-01-01. Review status: criteria provided, single submitter. Criteria: ACMG Guidelines, 2015. Collection method: clinical testing. Allele origin: germline. Affected: yes. Not counted in ClinVar's aggregate classification.

GeneDx
Classification: Likely benign. Last evaluated: 2020-11-25. Review status: criteria provided, single submitter. Criteria: GeneDx Variant Classification Process June 2021. Collection method: clinical testing. Allele origin: germline. Affected: yes. Not counted in ClinVar's aggregate classification.
Comment: In silico analysis, which includes protein predictors and evolutionary conservation, supports that this variant does not alter protein structure/function; Has not been previously reported as pathogenic or benign to our knowledge; This variant is associated with the following publications: (PMID: 28188106, 24728327, 24727139)

Counsyl
Classification: Uncertain significance for Von Hippel-Lindau syndrome. Last evaluated: 2017-12-20. Review status: no assertion criteria provided. Collection method: clinical testing. Allele origin: unknown. Not counted in ClinVar's aggregate classification.

ITMI
No classification provided. Condition: AllHighlyPenetrant. Last evaluated: 2013-09-19. Review status: no classification provided. Collection method: reference population. Allele origin: germline. Not counted in ClinVar's aggregate classification.
Comment: Please see associated publication for description of ethnicities

Literature cited by the submitters: PubMed 24727139 (cited by Ambry Genetics); PubMed 24728327 (cited by 3 submitters); PubMed 27498913 (cited by Ambry Genetics and Counsyl).

NM_000551.4(VHL):c.119C>T (p.Pro40Leu)

Gene: VHL (von Hippel-Lindau tumor suppressor; plus strand). Cytogenetic location: 3p25.3.
Variant type: single nucleotide variant.
Coding change: c.119C>T on transcript NM_000551.4 (MANE Select); coding-DNA position 119, C replaced by T.
Protein change: p.Pro40Leu; replaces proline 40 with leucine.
Molecular consequence: missense variant.
Genome position (GRCh38, 1-based): chr3:10,141,966, C>T. VCF-style: chr3-10141966-C-T. GRCh37 (hg19) VCF-style: chr3-10183650-C-T.
Other names: NM_000551.4(VHL):c.119C>T; p.Pro40Leu; c.119C>T, p.Pro40Leu (NM_001354723.2, NM_198156.3); short protein forms P40L.
Identifiers: ClinVar variation 135405 (VCV000135405.27), dbSNP rs200343185, ClinGen allele CA020046.